The following is an entry in ClinVar:

ClinVar aggregate classification (germline): Pathogenic (1 of 4 stars; one submission).

Conditions:
LAMA2-related muscular dystrophy (LAMA2-RD). Also called: Laminin alpha 2-related dystrophy. Identifiers: MedGen C5679788, MONDO:0100228.

Submission:

Broad Center for Mendelian Genomics, Broad Institute of MIT and Harvard
Classification: Pathogenic for LAMA2-related muscular dystrophy. Last evaluated: 2023-05-02. Review status: criteria provided, single submitter. Criteria: ACMG Guidelines, 2015. Collection method: curation. Allele origin: germline. Inheritance: Autosomal recessive inheritance.
Comment: Trio exome analysis revealed this variant to be in trans with a variant of uncertain significance (ClinVar Variation ID: 643601). The c.8988+1G>T variant in LAMA2 has not been previously reported in individuals with autosomal recessive limb-girdle muscular dystrophy 23. This variant was absent from large population studies. A different nucleotide change that also results in a splice acceptor variant at the same site, c.8988+1G>A, has been previously reported pathogenic (PMID: 30055037), and the variant being assessed here, c.8988+1G>T, is predicted by SpliceAI to have a similar effect on splicing. This variant is located in the 5' splice region. Computational tools predict a splicing impact, though this information is not predictive enough to determine pathogenicity. Loss of function of the LAMA2 gene is an established disease mechanism in autosomal recessive limb-girdle muscular dystrophy 23. In summary, this variant meets criteria to be classified as pathogenic for autosomal recessive limb-girdle muscular dystrophy 23. ACMG/AMP Criteria applied: PVS1, PS1_Supporting, PM2_Supporting (Richards 2015).

NM_000426.4(LAMA2):c.8988+1G>T

Gene: LAMA2 (laminin subunit alpha 2; plus strand). Cytogenetic location: 6q22.33.
Variant type: single nucleotide variant.
Coding change: c.8988+1G>T on transcript NM_000426.4 (MANE Select); the canonical splice donor site of the intron after coding-DNA position 8988, G replaced by T.
Molecular consequence: splice donor variant.
Genome position (GRCh38, 1-based): chr6:129,512,494, G>T. VCF-style: chr6-129512494-G-T. GRCh37 (hg19) VCF-style: chr6-129833639-G-T.
Other names: NM_001079823.2:c.8976+1G>T; c.8976+1G>T (NM_001079823.2).
Identifiers: ClinVar variation 2500851 (VCV002500851.1), dbSNP rs1786674391, ClinGen allele CA365636331.
Genomic context (GRCh38, chr6:129,512,494, plus strand): 5'-CTTCTGGGGATCAGTAGTCAAAAAATGGATGGAATGGGTATTGAAATGATTGATGAAAAG[G>T]TGAGTGTCAGCAATGCAAACATTTCTGATTTCTTCATGATATTGTTGATGTGTAGATATC-3'